The following is an entry in ClinVar:

NM_024598.4(USB1):c.236G>A (p.Gly79Asp)

Gene: USB1 (U6 snRNA biogenesis phosphodiesterase 1; plus strand). Cytogenetic location: 16q21.
Variant type: single nucleotide variant.
Coding change: c.236G>A on transcript NM_024598.4 (MANE Select); coding-DNA position 236, G replaced by A.
Protein change: p.Gly79Asp; replaces glycine 79 with aspartic acid.
Molecular consequence: missense variant.
Genome position (GRCh38, 1-based): chr16:58,002,616, G>A. VCF-style: chr16-58002616-G-A. GRCh37 (hg19) VCF-style: chr16-58036520-G-A.
Other names: c.236G>A, p.Gly79Asp (NM_001195302.2, NM_001204911.2, NM_001330569.2); c.83G>A, p.Gly28Asp (NM_001330568.2); short protein forms G28D, G79D.
Identifiers: ClinVar variation 4196823 (VCV004196823.1).

ClinVar aggregate classification (germline): Uncertain significance (1 of 4 stars; one submission).

Conditions:
Inborn genetic diseases. Identifiers: MedGen C0950123, MeSH D030342.

Submission:

Ambry Genetics
Classification: Uncertain significance for Inborn genetic diseases. Last evaluated: 2025-08-25. Review status: criteria provided, single submitter. Criteria: Ambry Variant Classification Scheme 2023. Collection method: clinical testing. Allele origin: germline.
Comment: The p.G79D variant (also known as c.236G>A), located in coding exon 2 of the USB1 gene, results from a G to A substitution at nucleotide position 236. The glycine at codon 79 is replaced by aspartic acid, an amino acid with similar properties. This amino acid position is conserved. In addition, this alteration is predicted to be deleterious by in silico analysis. Based on the available evidence, the clinical significance of this variant remains unclear.